The following is an entry in ClinVar:

ClinVar aggregate classification (germline): Likely benign. Review status: criteria provided, multiple submitters, no conflicts (2 of 4 stars). 4 submissions from 4 submitters: Likely benign (4). Last evaluated 2026-08-19.

Conditions:
Early-infantile DEE. Also called: Early infantile epileptic encephalopathy with suppression bursts; Early infantile epileptic encephalopathy; Ohtahara syndrome. Identifiers: Orphanet 1934, MedGen C0393706, MONDO:0800491.
Inborn genetic diseases. Identifiers: MedGen C0950123, MeSH D030342.
HCN1-related disorder. Also called: HCN1-related condition; HCN1-related disorders.

Allele frequency attached by ClinVar (database versions not stated): gnomAD exomes 0.00005 and 0.00009; gnomAD 0.00003; ExAC 0.00006; TOPMed 0.00009; 1000 Genomes Project 30x 0.00016; 1000 Genomes Project 0.00020.
gnomAD v4.1: 37 of 1,613,580 alleles (0.0023%); highest among the groups gnomAD compares: Admixed American, 0.05%; no homozygotes.

Submissions (4):

PreventionGenetics, part of Exact Sciences
Classification: Likely benign for HCN1-related condition. Last evaluated: 2026-08-19. Review status: criteria provided, single submitter. Criteria: ACMG Guidelines, 2015. Collection method: clinical testing. Allele origin: germline.
Comment: This variant is classified as likely benign based on ACMG/AMP sequence variant interpretation guidelines (Richards et al. 2015 PMID: 25741868, with internal and published modifications).

CeGaT Center for Human Genetics Tuebingen
Classification: Likely benign. Last evaluated: 2026-05-01. Review status: criteria provided, single submitter. Criteria: CeGaT Center For Human Genetics Tuebingen Variant Classification Criteria Version 2. Collection method: clinical testing. Allele origin: germline. Affected: yes. Observed: 2 variant alleles.
Comment: HCN1: BP4, BP7

Labcorp Genetics (formerly Invitae), Labcorp
Classification: Likely benign for Early-infantile DEE. Last evaluated: 2026-01-19. Review status: criteria provided, single submitter. Criteria: Invitae Variant Classification Sherloc (09022015). Collection method: clinical testing. Allele origin: germline.

Ambry Genetics
Classification: Likely benign for Inborn genetic diseases. Last evaluated: 2018-07-27. Review status: criteria provided, single submitter. Criteria: Ambry Variant Classification Scheme 2023. Collection method: clinical testing. Allele origin: germline.

NM_021072.4(HCN1):c.726A>C (p.Gly242=)

Gene: HCN1 (hyperpolarization activated cyclic nucleotide gated potassium channel 1; minus strand). Cytogenetic location: 5p12.
Variant type: single nucleotide variant.
Coding change: c.726A>C on transcript NM_021072.4 (MANE Select); coding-DNA position 726, A replaced by C.
Protein change: p.Gly242=; no amino-acid change (glycine 242 retained).
Molecular consequence: synonymous variant.
Genome position (GRCh38, 1-based): chr5:45,645,308, T>G on the plus strand (A>C on the coding strand, the complement: HCN1 is on the minus strand). VCF-style: chr5-45645308-T-G. GRCh37 (hg19) VCF-style: chr5-45645410-T-G.
Identifiers: ClinVar variation 412776 (VCV000412776.49), dbSNP rs199622227, ClinGen allele CA3259421.
Genomic context (GRCh38, chr5:45,645,308, plus strand): 5'-AATTTTTGTAAACCTCACAATGCGAAGTGCCCTGGCTGTCTTGTAAACTTCAGAATCCAT[T>G]CCTTTTTCTACAATAAGAAAGATATAATCCACTGGGATGGATGAGATGAAGTCAACCACA-3'
Protein context (NP_066550.2, residues 232-252): VDYIFLIVEK[Gly242=]MDSEVYKTAR